The following is an entry in ClinVar:

NM_183050.4(BCKDHB):c.742+1G>A

Gene: BCKDHB (branched chain keto acid dehydrogenase E1 subunit beta; plus strand). Cytogenetic location: 6q14.1.
Variant type: single nucleotide variant.
Coding change: c.742+1G>A on transcript NM_183050.4 (MANE Select); the canonical splice donor site of the intron after coding-DNA position 742, G replaced by A.
Molecular consequence: splice donor variant.
Genome position (GRCh38, 1-based): chr6:80,171,391, G>A. VCF-style: chr6-80171391-G-A. GRCh37 (hg19) VCF-style: chr6-80881108-G-A.
Other names: c.532+1G>A (NM_001318975.1); c.742+1G>A (NM_000056.5).
Identifiers: ClinVar variation 556618 (VCV000556618.10), dbSNP rs1554190322, ClinGen allele CA364658788.
Genomic context (GRCh38, chr6:80,171,391, plus strand): 5'-GCATAGAGGATAAAAATCCTTGTATATTTTTTGAACCTAAAATACTTTACAGGGCAGCAG[G>A]TAAAGATTTTCTTTATTTTATATTTGTGAATATCTTTATATACTTTGTTTTTTATAGCTC-3'

ClinVar aggregate classification (germline): Likely pathogenic. Review status: criteria provided, single submitter (1 of 4 stars). 2 submissions from 2 submitters: Likely pathogenic (1). 1 of the submissions does not count toward it. Last evaluated 2019-07-07.

Conditions:
Maple syrup urine disease type 1A (MSUD1A). Also called: MSUD type 1A. Identifiers: MedGen C1855369, MONDO:0023691, OMIM 248600.
Maple syrup urine disease (MSUD). Identifiers: Orphanet 511, MedGen C0024776, MeSH D008375, MONDO:0009563. Disease mechanism: loss of function.

Submissions (2):

Labcorp Genetics (formerly Invitae), Labcorp
Classification: Likely pathogenic for Maple syrup urine disease. Last evaluated: 2019-07-07. Review status: criteria provided, single submitter. Criteria: Invitae Variant Classification Sherloc (09022015). Collection method: clinical testing. Allele origin: germline.
Comment: This sequence change affects a donor splice site in intron 6 of the BCKDHB gene. It is expected to disrupt RNA splicing and likely results in an absent or disrupted protein product. This variant is not present in population databases (ExAC no frequency). In summary, the currently available evidence indicates that the variant is pathogenic, but additional data are needed to prove that conclusively. Therefore, this variant has been classified as Likely Pathogenic. This variant has not been reported in the literature in individuals with BCKDHB-related conditions. ClinVar contains an entry for this variant (Variation ID: 556618). Algorithms developed to predict the effect of sequence changes on RNA splicing suggest that this variant may disrupt the consensus splice site, but this prediction has not been confirmed by published transcriptional studies. Donor and acceptor splice site variants typically lead to a loss of protein function (PMID: 16199547), and loss-of-function variants in BCKDHB are known to be pathogenic (PMID: 16786533, 22593002).

Counsyl
Classification: Likely pathogenic for Maple syrup urine disease type 1A. Last evaluated: 2018-02-16. Review status: no assertion criteria provided. Collection method: clinical testing. Allele origin: unknown. Not counted in ClinVar's aggregate classification.

Literature cited by the submitters: PubMed 16199547 (cited by Labcorp Genetics (formerly Invitae), Labcorp); PubMed 16786533 (cited by Labcorp Genetics (formerly Invitae), Labcorp); PubMed 22593002 (cited by Labcorp Genetics (formerly Invitae), Labcorp).